The following is an entry in ClinVar:

ClinVar aggregate classification (germline): Uncertain significance (1 of 4 stars; one submission).

Submission:

GeneDx
Classification: Uncertain significance. Last evaluated: 2019-12-05. Review status: criteria provided, single submitter. Criteria: GeneDx Variant Classification Process June 2021. Collection method: clinical testing. Allele origin: germline. Affected: yes.
Comment: Not observed in large population cohorts (Lek et al., 2016); In silico analysis, which includes protein predictors and evolutionary conservation, supports a deleterious effect; Has not been previously published as pathogenic or benign to our knowledge

NM_000052.7(ATP7A):c.3028_3038delinsGTGGCTGTGGA (p.Thr1010_Met1013delinsValAlaValGlu)

Gene: ATP7A (ATPase copper transporting alpha; plus strand). Cytogenetic location: Xq21.1.
Variant type: Indel.
Coding change: c.3028_3038delinsGTGGCTGTGGA on transcript NM_000052.7 (MANE Select); coding-DNA positions 3028 to 3038, ACTGCTGTGAT replaced by GTGGCTGTGGA.
Protein change: p.Thr1010_Met1013delinsValAlaValGlu.
Molecular consequence: missense variant.
Genome position (GRCh38, 1-based): chrX:78,029,361-78,029,371, ACTGCTGTGAT replaced by GTGGCTGTGGA. VCF-style: chrX-78029361-ACTGCTGTGAT-GTGGCTGTGGA. GRCh37 (hg19) VCF-style: chrX-77284858-ACTGCTGTGAT-GTGGCTGTGGA.
Other names: c.2794_2804delinsGTGGCTGTGGA, p.Thr932_Met935delinsValAlaValGlu (NM_001282224.2).
Identifiers: ClinVar variation 1303500 (VCV001303500.2), dbSNP rs2149104906, ClinGen allele CA2573055410.
Genomic context (GRCh38, chrX:78,029,361, plus strand): 5'-CAAGCCTCTATCACAGTTCTGTGTATTGCATGTCCCTGTTCACTGGGACTGGCCACTCCA[ACTGCTGTGAT>GTGGCTGTGGA]GGTGGGTACAGGAGTAGGTGCTCAAAATGGCATACTAATAAAAGGTGGAGAGCCATTGGA-3'